The following is an entry in ClinVar:

NM_018972.4(GDAP1):c.609G>A (p.Lys203=)

Gene: GDAP1 (ganglioside induced differentiation associated protein 1; plus strand). Cytogenetic location: 8q21.11.
Variant type: single nucleotide variant.
Coding change: c.609G>A on transcript NM_018972.4 (MANE Select); coding-DNA position 609, G replaced by A.
Protein change: p.Lys203=; no amino-acid change (lysine 203 retained).
Molecular consequence: synonymous variant.
Genome position (GRCh38, 1-based): chr8:74,362,968, G>A. VCF-style: chr8-74362968-G-A. GRCh37 (hg19) VCF-style: chr8-75275203-G-A.
Other names: c.405G>A, p.Lys135= (NM_001040875.4); c.282G>A, p.Lys94= (NM_001362929.2, NM_001362932.2); c.435G>A, p.Lys145= (NM_001362930.2); c.609G>A, p.Lys203= (NM_001362931.2).
Identifiers: ClinVar variation 917090 (VCV000917090.6), dbSNP rs758365842, ClinGen allele CA4785151.
Genomic context (GRCh38, chr8:74,362,968, plus strand): 5'-TGTTTGGTTTCTTTTTTTGGTGGTTAATTAGTCAAAGCTGCTTGATCATGACAATGTCAA[G>A]TATTTGAAGAAAATTCTTGATGAGTTGGAGAAAGTCTTGGATCAGGTTGAAACTGAATTG-3'
Protein context (NP_061845.2, residues 193-213): KSKLLDHDNV[Lys203=]YLKKILDELE

ClinVar aggregate classification (germline): Likely benign. Review status: criteria provided, multiple submitters, no conflicts (2 of 4 stars). 3 submissions from 3 submitters: Likely benign (3). Last evaluated 2026-01-01.

Conditions:
GDAP1-related disorder. Also called: GDAP1-related condition; GDAP1-related disorders.
Charcot-Marie-Tooth disease. Also called: Charcot-Marie-Tooth Neuropathy; Charcot-Marie-Tooth Hereditary Neuropathy. Identifiers: Orphanet 166, MedGen C0007959, MONDO:0015626.

Allele frequency attached by ClinVar (database versions not stated): gnomAD exomes below 0.00001; ExAC 0.00001.
gnomAD v4.1: 4 of 1,567,234 alleles (0.00026%); highest among the groups gnomAD compares: South Asian, 0.0011%; no homozygotes.

Submissions (3):

CeGaT Center for Human Genetics Tuebingen
Classification: Likely benign. Last evaluated: 2026-01-01. Review status: criteria provided, single submitter. Criteria: CeGaT Center For Human Genetics Tuebingen Variant Classification Criteria Version 2. Collection method: clinical testing. Allele origin: germline. Affected: yes. Observed: 1 variant allele.
Comment: GDAP1: BP4, BP7

PreventionGenetics, part of Exact Sciences
Classification: Likely benign for GDAP1-related condition. Last evaluated: 2025-08-20. Review status: criteria provided, single submitter. Criteria: ACMG Guidelines, 2015. Collection method: clinical testing. Allele origin: germline.
Comment: This variant is classified as likely benign based on ACMG/AMP sequence variant interpretation guidelines (Richards et al. 2015 PMID: 25741868, with internal and published modifications).

Molecular Genetics Laboratory, London Health Sciences Centre
Classification: Likely benign for Charcot-Marie-Tooth disease. Review status: criteria provided, single submitter. Criteria: ACMG Guidelines, 2015. Collection method: clinical testing. Allele origin: germline. Affected: yes.